The following is an entry in ClinVar:

ClinVar aggregate classification (germline): Uncertain significance (1 of 4 stars; one submission).

Conditions:
Hereditary cancer-predisposing syndrome. Also called: Tumor predisposition; Hereditary Cancer Syndrome; Hereditary neoplastic syndrome; Neoplastic Syndromes, Hereditary. Identifiers: Orphanet 140162, MedGen C0027672, MeSH D009386, MONDO:0015356.

Submission:

Ambry Genetics
Classification: Uncertain significance for Hereditary cancer-predisposing syndrome. Last evaluated: 2025-09-17. Review status: criteria provided, single submitter. Criteria: Ambry Variant Classification Scheme 2023. Collection method: clinical testing. Allele origin: germline.
Comment: The p.K475Q variant (also known as c.1423A>C), located in coding exon 12 of the TSC1 gene, results from an A to C substitution at nucleotide position 1423. The lysine at codon 475 is replaced by glutamine, an amino acid with similar properties. This amino acid position is conserved. In addition, the in silico prediction for this alteration is inconclusive. Based on the available evidence, the clinical significance of this variant remains unclear.

NM_000368.5(TSC1):c.1423A>C (p.Lys475Gln)

Gene: TSC1 (TSC complex subunit 1; minus strand). Cytogenetic location: 9q34.13.
Variant type: single nucleotide variant.
Coding change: c.1423A>C on transcript NM_000368.5 (MANE Select); coding-DNA position 1423, A replaced by C.
Protein change: p.Lys475Gln; replaces lysine 475 with glutamine.
Molecular consequence: missense variant. On other transcripts: non-coding transcript variant (5).
Genome position (GRCh38, 1-based): chr9:132,906,746, T>G on the plus strand (A>C on the coding strand, the complement: TSC1 is on the minus strand). VCF-style: chr9-132906746-T-G. GRCh37 (hg19) VCF-style: chr9-135782133-T-G.
Other names: c.1420A>C, p.Lys474Gln (NM_001162426.2, NM_001406597.1, NM_001406598.1 and 6 more transcripts); c.1270A>C, p.Lys424Gln (NM_001162427.2, NM_001406610.1); c.1060A>C, p.Lys354Gln (NM_001362177.2, NM_001406614.1, NM_001406615.1 and 5 more transcripts); c.1423A>C, p.Lys475Gln (NM_001406592.1, NM_001406593.1, NM_001406594.1 and 7 more transcripts); c.1267A>C, p.Lys423Gln (NM_001406611.1, NM_001406612.1, NM_001406613.1); c.1057A>C, p.Lys353Gln (NM_001406620.1, NM_001406621.1, NM_001406622.1 and 2 more transcripts); c.472A>C, p.Lys158Gln (NM_001406626.1); c.469A>C, p.Lys157Gln (NM_001406627.1, NM_001406628.1); and 1 more; short protein forms K354Q, K124Q, K474Q, K157Q, K423Q, K424Q, K158Q, K353Q.
Identifiers: ClinVar variation 4554023 (VCV004554023.1).